The following is an entry in ClinVar:

ClinVar aggregate classification (germline): Benign. Review status: criteria provided, multiple submitters, no conflicts (2 of 4 stars). 12 submissions from 12 submitters: Benign (6). 6 of the submissions do not count toward it. Last evaluated 2026-02-03.

Conditions:
Self-limited epilepsy with centrotemporal spikes. Also called: Childhood epilepsy with centrotemporal spikes; Rolandic epilepsy. Identifiers: Orphanet 1945, MedGen C0376532, MONDO:0007295.
Norman-Roberts syndrome (LIS2). Also called: Lissencephaly 2 (Norman-Roberts type). Identifiers: Orphanet 89844, MedGen C0796089, MONDO:0009760, OMIM 257320.
Familial temporal lobe epilepsy 7. Identifiers: Orphanet 101046, MedGen C4225327, MONDO:0014639, OMIM 616436.

Allele frequency attached by ClinVar (database versions not stated): gnomAD exomes 0.00148 and 0.00364; ExAC 0.00442; gnomAD 0.01400 and 0.01491; TOPMed 0.01603; ESP Exome Variant Server 0.01645; 1000 Genomes Project 0.01837; 1000 Genomes Project 30x 0.01968.
gnomAD v4.1: 4,392 of 1,611,664 alleles (0.27%); highest among the groups gnomAD compares: African/African-American, 4.9%; 100 homozygotes.

Submissions (12):

Labcorp Genetics (formerly Invitae), Labcorp
Classification: Benign for Familial temporal lobe epilepsy 7; Norman-Roberts syndrome. Last evaluated: 2026-02-03. Review status: criteria provided, single submitter. Criteria: Invitae Variant Classification Sherloc (09022015). Collection method: clinical testing. Allele origin: germline.

Mayo Clinic Laboratories, Mayo Clinic
Classification: Benign. Last evaluated: 2019-06-05. Review status: criteria provided, single submitter. Criteria: ACMG Guidelines, 2015. Collection method: clinical testing. Allele origin: germline. Observed: 8 variant alleles.

Illumina Laboratory Services, Illumina
Classification: Benign for Norman-Roberts syndrome. Last evaluated: 2018-01-13. Review status: criteria provided, single submitter. Criteria: ICSL Variant Classification Criteria 13 December 2019. Collection method: clinical testing. Allele origin: germline.
Comment: This variant was observed in the ICSL laboratory as part of a predisposition screen in an ostensibly healthy population. It had not been previously curated by ICSL or reported in the Human Gene Mutation Database (HGMD: prior to June 1st, 2018), and was therefore a candidate for classification through an automated scoring system. Utilizing variant allele frequency, disease prevalence and penetrance estimates, and inheritance mode, an automated score was calculated to assess if this variant is too frequent to cause the disease. Based on the score and internal cut-off values, a variant classified as benign is not then subjected to further curation. The score for this variant resulted in a classification of benign for this disease.

GeneDx
Classification: Benign. Last evaluated: 2016-03-25. Review status: criteria provided, single submitter. Criteria: GeneDx Variant Classification (06012015). Collection method: clinical testing. Allele origin: germline. Affected: yes.
Comment: This variant is considered likely benign or benign based on one or more of the following criteria: it is a conservative change, it occurs at a poorly conserved position in the protein, it is predicted to be benign by multiple in silico algorithms, and/or has population frequency not consistent with disease.

Center for Pediatric Genomic Medicine, Children's Mercy Hospital and Clinics
Classification: Benign. Last evaluated: 2015-09-29. Review status: criteria provided, single submitter. Criteria: ACMG Guidelines, 2015. Collection method: clinical testing. Allele origin: germline.

Breakthrough Genomics
Classification: Benign. Review status: criteria provided, single submitter. Criteria: ACMG Guidelines, 2015. Collection method: not provided. Allele origin: germline. Inheritance: Autosomal recessive inheritance. Affected: yes.

Bioinformatics Core, Luxembourg Center for Systems Biomedicine
Classification: Pathogenic for Self-limited epilepsy with centrotemporal spikes. Last evaluated: 2017-01-01. Review status: no assertion criteria provided. Collection method: case-control. Allele origin: germline. Affected: yes. Study: EUROEPINOMICS COGIE. Not counted in ClinVar's aggregate classification.

Clinical Genetics DNA and cytogenetics Diagnostics Lab, Erasmus MC, Erasmus Medical Center
Classification: Benign. Review status: no assertion criteria provided. Collection method: clinical testing. Allele origin: germline. Affected: yes. Study: VKGL Data-share Consensus. Not counted in ClinVar's aggregate classification.

Clinical Genetics, Academic Medical Center
Classification: Benign. Review status: no assertion criteria provided. Collection method: clinical testing. Allele origin: germline. Affected: yes. Study: VKGL Data-share Consensus. Not counted in ClinVar's aggregate classification.

Diagnostic Laboratory, Department of Genetics, University Medical Center Groningen
Classification: Benign for Norman-Roberts syndrome. Review status: no assertion criteria provided. Collection method: clinical testing. Allele origin: germline. Affected: yes. Study: VKGL Data-share Consensus. Not counted in ClinVar's aggregate classification.

Genetic Services Laboratory, University of Chicago
Classification: Likely benign for AllHighlyPenetrant. Review status: no assertion criteria provided. Collection method: clinical testing. Allele origin: germline. Inheritance: Autosomal recessive inheritance. Not counted in ClinVar's aggregate classification.
Comment: Likely benign based on allele frequency in 1000 Genomes Project or ESP global frequency and its presence in a patient with a rare or unrelated disease phenotype. NOT Sanger confirmed.

Genome Diagnostics Laboratory, University Medical Center Utrecht
Classification: Likely benign. Review status: no assertion criteria provided. Collection method: clinical testing. Allele origin: germline. Affected: yes. Study: VKGL Data-share Consensus. Not counted in ClinVar's aggregate classification.

Literature cited by the submitters: PubMed 29358611 (cited by Bioinformatics Core, Luxembourg Center for Systems Biomedicine).

NM_005045.4(RELN):c.2932A>G (p.Thr978Ala)

Gene: RELN (reelin; minus strand). Cytogenetic location: 7q22.1.
Variant type: single nucleotide variant.
Coding change: c.2932A>G on transcript NM_005045.4 (MANE Select); coding-DNA position 2932, A replaced by G.
Protein change: p.Thr978Ala; replaces threonine 978 with alanine.
Molecular consequence: missense variant.
Genome position (GRCh38, 1-based): chr7:103,610,771, T>C on the plus strand (A>G on the coding strand, the complement: RELN is on the minus strand). VCF-style: chr7-103610771-T-C. GRCh37 (hg19) VCF-style: chr7-103251218-T-C.
Other names: c.2932A>G, p.Thr978Ala (NM_173054.3); short protein forms T978A.
Identifiers: ClinVar variation 130118 (VCV000130118.23), dbSNP rs3025962, ClinGen allele CA154912.